The following is an entry in ClinVar:

NM_001365276.2(TNXB):c.419G>A (p.Arg140Gln)

Gene: TNXB (tenascin XB; minus strand). Cytogenetic location: 6p21.33.
Variant type: single nucleotide variant.
Coding change: c.419G>A on transcript NM_001365276.2 (MANE Select); coding-DNA position 419, G replaced by A.
Protein change: p.Arg140Gln; replaces arginine 140 with glutamine.
Molecular consequence: missense variant.
Genome position (GRCh38, 1-based): chr6:32,097,434, C>T on the plus strand (G>A on the coding strand, the complement: TNXB is on the minus strand). VCF-style: chr6-32097434-C-T. GRCh37 (hg19) VCF-style: chr6-32065211-C-T.
Other names: c.419G>A, p.Arg140Gln (NM_019105.8); short protein forms R140Q.
Identifiers: ClinVar variation 1738620 (VCV001738620.3), dbSNP rs758876550, ClinGen allele CA136906876.

ClinVar aggregate classification (germline): Uncertain significance. Review status: criteria provided, multiple submitters, no conflicts (2 of 4 stars). 2 submissions from 2 submitters: Uncertain significance (2). Last evaluated 2025-05-20.

Conditions:
Cardiovascular phenotype. Identifiers: MedGen CN230736.

Submissions (2):

Women's Health and Genetics/Laboratory Corporation of America, LabCorp
Classification: Uncertain significance. Last evaluated: 2025-05-20. Review status: criteria provided, single submitter. Criteria: LabCorp Variant Classification Summary - May 2015. Collection method: clinical testing. Allele origin: germline.
Comment: Variant summary: TNXB c.419G>A (p.Arg140Gln) results in a conservative amino acid change in the encoded protein sequence. Algorithms developed to predict the effect of missense changes on protein structure and function all suggest that this variant is likely to be tolerated. The variant allele was found at a frequency of 4.2e-06 in 236806 control chromosomes. The available data on variant occurrences in the general population are insufficient to allow any conclusion about variant significance. To our knowledge, no occurrence of c.419G>A in individuals affected with Ehlers-Danlos syndrome due to tenascin-X deficiency and no experimental evidence demonstrating its impact on protein function have been reported. ClinVar contains an entry for this variant (Variation ID: 1738620). Based on the evidence outlined above, the variant was classified as uncertain significance.

Ambry Genetics
Classification: Uncertain significance for Cardiovascular phenotype. Last evaluated: 2021-11-09. Review status: criteria provided, single submitter. Criteria: Ambry Variant Classification Scheme 2023. Collection method: clinical testing. Allele origin: germline.
Comment: The p.R140Q variant (also known as c.419G>A), located in coding exon 2 of the TNXB gene, results from a G to A substitution at nucleotide position 419. The arginine at codon 140 is replaced by glutamine, an amino acid with highly similar properties. This amino acid position is conserved. In addition, this alteration is predicted to be tolerated by in silico analysis. Since supporting evidence is limited at this time, the clinical significance of this alteration remains unclear.